The following is an entry in ClinVar:

ClinVar aggregate classification (germline): Uncertain significance (1 of 4 stars; one submission).

Allele frequency attached by ClinVar (database versions not stated): gnomAD 0.00002; TOPMed 0.00006.

Submission:

Labcorp Genetics (formerly Invitae), Labcorp
Classification: Uncertain significance. Last evaluated: 2022-05-27. Review status: criteria provided, single submitter. Criteria: Invitae Variant Classification Sherloc (09022015). Collection method: clinical testing. Allele origin: germline.
Comment: This variant has not been reported in the literature in individuals affected with NAXD-related conditions. Algorithms developed to predict the effect of missense changes on protein structure and function output the following: SIFT: "Tolerated"; PolyPhen-2: "Benign"; Align-GVGD: "Class C0". The threonine amino acid residue is found in multiple mammalian species, which suggests that this missense change does not adversely affect protein function. In summary, the available evidence is currently insufficient to determine the role of this variant in disease. Therefore, it has been classified as a Variant of Uncertain Significance. This variant is present in population databases (no rsID available, gnomAD 0.009%). This sequence change replaces alanine, which is neutral and non-polar, with threonine, which is neutral and polar, at codon 33 of the NAXD protein (p.Ala33Thr).

NM_001242882.2(NAXD):c.46+124G>A

Genes: NAXD (NAD(P)HX dehydratase; plus strand), NAXD-AS1 (NAXD antisense RNA 1; minus strand), LOC130010118 (ATAC-STARR-seq lymphoblastoid silent region 5505; plus strand). Cytogenetic location: 13q34.
Variant type: single nucleotide variant.
Coding change: c.46+124G>A on transcript NM_001242882.2 (MANE Select); 124 bases into the intron after coding-DNA position 46, G replaced by A.
Molecular consequence: intron variant. On other transcripts: missense variant (2).
Genome position (GRCh38, 1-based): chr13:110,615,771, G>A. VCF-style: chr13-110615771-G-A. GRCh37 (hg19) VCF-style: chr13-111268118-G-A.
Other names: c.97G>A, p.Ala33Thr (NM_001242881.2, NM_018210.4); c.56+124G>A (NM_001242883.2); short protein forms A33T.
Identifiers: ClinVar variation 1992109 (VCV001992109.4), dbSNP rs924739643, ClinGen allele CA256296768.